The following is an entry in ClinVar:

ClinVar aggregate classification (germline): Likely benign. Review status: criteria provided, multiple submitters, no conflicts (2 of 4 stars). 2 submissions from 2 submitters: Likely benign (2). Last evaluated 2026-08-18.

Conditions:
FAT4-related disorder. Also called: FAT4-related condition.

Allele frequency attached by ClinVar (database versions not stated): gnomAD 0.00013; TOPMed 0.00014; 1000 Genomes Project 0.00060; 1000 Genomes Project 30x 0.00062; gnomAD exomes 0.00001; ExAC 0.00003.
gnomAD v4.1: 41 of 1,614,114 alleles (0.0025%); highest among the groups gnomAD compares: African/African-American, 0.049%; no homozygotes.

Submissions (2):

PreventionGenetics, part of Exact Sciences
Classification: Likely benign for FAT4-related condition. Last evaluated: 2026-08-18. Review status: criteria provided, single submitter. Criteria: ACMG Guidelines, 2015. Collection method: clinical testing. Allele origin: germline.
Comment: This variant is classified as likely benign based on ACMG/AMP sequence variant interpretation guidelines (Richards et al. 2015 PMID: 25741868, with internal and published modifications).

Labcorp Genetics (formerly Invitae), Labcorp
Classification: Likely benign. Last evaluated: 2025-06-12. Review status: criteria provided, single submitter. Criteria: Invitae Variant Classification Sherloc (09022015). Collection method: clinical testing. Allele origin: germline.

NM_001291303.3(FAT4):c.14583G>A (p.Lys4861=)

Gene: FAT4 (FAT atypical cadherin 4; plus strand). Cytogenetic location: 4q28.1.
Variant type: single nucleotide variant.
Coding change: c.14583G>A on transcript NM_001291303.3 (MANE Select); coding-DNA position 14583, G replaced by A.
Protein change: p.Lys4861=; no amino-acid change (lysine 4861 retained).
Molecular consequence: synonymous variant.
Genome position (GRCh38, 1-based): chr4:125,491,399, G>A. VCF-style: chr4-125491399-G-A. GRCh37 (hg19) VCF-style: chr4-126412554-G-A.
Other names: c.14580G>A, p.Lys4860= (NM_001291285.3); c.14577G>A, p.Lys4859= (NM_024582.6); c.14577G>A (NM_024582.4).
Identifiers: ClinVar variation 2182419 (VCV002182419.5), dbSNP rs562111917, ClinGen allele CA3074588.